The following is an entry in ClinVar:

NM_001303256.3(MORC2):c.2880C>G (p.Asn960Lys)

Gene: MORC2 (MORC family CW-type zinc finger 2; minus strand). Cytogenetic location: 22q12.2.
Variant type: single nucleotide variant.
Coding change: c.2880C>G on transcript NM_001303256.3 (MANE Select); coding-DNA position 2880, C replaced by G.
Protein change: p.Asn960Lys; replaces asparagine 960 with lysine.
Molecular consequence: missense variant.
Genome position (GRCh38, 1-based): chr22:30,928,169, G>C on the plus strand (C>G on the coding strand, the complement: MORC2 is on the minus strand). VCF-style: chr22-30928169-G-C. GRCh37 (hg19) VCF-style: chr22-31324156-G-C.
Other names: c.2880C>G, p.Asn960Lys (NM_001303257.2); c.2694C>G, p.Asn898Lys (NM_014941.3); short protein forms N960K, N898K.
Identifiers: ClinVar variation 852083 (VCV000852083.11), dbSNP rs750335952, ClinGen allele CA10186520.

ClinVar aggregate classification (germline): Uncertain significance. Review status: criteria provided, multiple submitters, no conflicts (2 of 4 stars). 3 submissions from 3 submitters: Uncertain significance (3). Last evaluated 2025-12-30.

Conditions:
Inborn genetic diseases. Identifiers: MedGen C0950123, MeSH D030342.
Charcot-Marie-Tooth disease axonal type 2Z. Also called: CHARCOT-MARIE-TOOTH DISEASE, AXONAL, AUTOSOMAL DOMINANT, TYPE 2Z; CHARCOT-MARIE-TOOTH NEUROPATHY, TYPE 2Z. Identifiers: Orphanet 466768, MedGen C5569025, MONDO:0014736, OMIM 616688.
MORC2-related disorder. Also called: MORC2-related condition.

Allele frequency attached by ClinVar (database versions not stated): gnomAD exomes below 0.00001 and 0.00001; gnomAD 0.00001; TOPMed 0.00001; ExAC 0.00002.
gnomAD v4.1: 13 of 1,614,026 alleles (0.00081%); highest among the groups gnomAD compares: Non-Finnish European, 0.001%; no homozygotes.

Submissions (3):

PreventionGenetics, part of Exact Sciences
Classification: Uncertain significance for MORC2-related condition. Last evaluated: 2025-12-30. Review status: criteria provided, single submitter. Criteria: ACMG Guidelines, 2015. Collection method: clinical testing. Allele origin: germline.
Comment: The MORC2 c.2880C>G variant is predicted to result in the amino acid substitution p.Asn960Lys. To our knowledge, this variant has not been reported in the literature. This variant is reported in 0.00088% of alleles in individuals of European (Non-Finnish) descent in gnomAD. At this time, the clinical significance of this variant is uncertain due to the absence of conclusive functional and genetic evidence.

Labcorp Genetics (formerly Invitae), Labcorp
Classification: Uncertain significance for Charcot-Marie-Tooth disease axonal type 2Z. Last evaluated: 2024-06-11. Review status: criteria provided, single submitter. Criteria: Invitae Variant Classification Sherloc (09022015). Collection method: clinical testing. Allele origin: germline.
Comment: This sequence change replaces asparagine, which is neutral and polar, with lysine, which is basic and polar, at codon 960 of the MORC2 protein (p.Asn960Lys). This variant is present in population databases (rs750335952, gnomAD 0.002%). This variant has not been reported in the literature in individuals affected with MORC2-related conditions. ClinVar contains an entry for this variant (Variation ID: 852083). Advanced modeling of protein sequence and biophysical properties (such as structural, functional, and spatial information, amino acid conservation, physicochemical variation, residue mobility, and thermodynamic stability) performed at Invitae indicates that this missense variant is not expected to disrupt MORC2 protein function with a negative predictive value of 95%. In summary, the available evidence is currently insufficient to determine the role of this variant in disease. Therefore, it has been classified as a Variant of Uncertain Significance.

Ambry Genetics
Classification: Uncertain significance for Inborn genetic diseases. Last evaluated: 2022-03-23. Review status: criteria provided, single submitter. Criteria: Ambry Variant Classification Scheme 2023. Collection method: clinical testing. Allele origin: germline.
Comment: The p.N960K variant (also known as c.2880C>G), located in coding exon 25 of the MORC2 gene, results from a C to G substitution at nucleotide position 2880. The asparagine at codon 960 is replaced by lysine, an amino acid with similar properties. This amino acid position is not well conserved in available vertebrate species. In addition, this alteration is predicted to be tolerated by in silico analysis. Since supporting evidence is limited at this time, the clinical significance of this alteration remains unclear.